The following is an entry in ClinVar:

NM_002439.5(MSH3):c.2533G>A (p.Asp845Asn)

Gene: MSH3 (mutS homolog 3; plus strand). Cytogenetic location: 5q14.1.
Variant type: single nucleotide variant.
Coding change: c.2533G>A on transcript NM_002439.5 (MANE Select); coding-DNA position 2533, G replaced by A.
Protein change: p.Asp845Asn; replaces aspartic acid 845 with asparagine.
Molecular consequence: missense variant.
Genome position (GRCh38, 1-based): chr5:80,787,662, G>A. VCF-style: chr5-80787662-G-A. GRCh37 (hg19) VCF-style: chr5-80083481-G-A.
Other names: short protein forms D845N.
Identifiers: ClinVar variation 2087202 (VCV002087202.4), dbSNP rs1335381574, ClinGen allele CA360283423.
Genomic context (GRCh38, chr5:80,787,662, plus strand): 5'-GTGCATCACCTAGCAACTGTTGACTGCATTTTCTCCCTGGCCAAGGTCGCTAAGCAAGGA[G>A]ATTACTGCAGGTAAGATATTTTTCATTTTCCTCTTTATCAGTGCTTTAGATAAGATGACA-3'
Protein context (NP_002430.3, residues 835-855): FSLAKVAKQG[Asp845Asn]YCRPTVQEER

ClinVar aggregate classification (germline): Uncertain significance (1 of 4 stars; one submission).

Submission:

Labcorp Genetics (formerly Invitae), Labcorp
Classification: Uncertain significance. Last evaluated: 2024-08-31. Review status: criteria provided, single submitter. Criteria: Invitae Variant Classification Sherloc (09022015). Collection method: clinical testing. Allele origin: germline.
Comment: This sequence change replaces aspartic acid, which is acidic and polar, with asparagine, which is neutral and polar, at codon 845 of the MSH3 protein (p.Asp845Asn). This variant is not present in population databases (gnomAD no frequency). This variant has not been reported in the literature in individuals affected with MSH3-related conditions. ClinVar contains an entry for this variant (Variation ID: 2087202). An algorithm developed to predict the effect of missense changes on protein structure and function outputs the following: PolyPhen-2: "Benign". The asparagine amino acid residue is found in multiple mammalian species, which suggests that this missense change does not adversely affect protein function. In summary, the available evidence is currently insufficient to determine the role of this variant in disease. Therefore, it has been classified as a Variant of Uncertain Significance.